The following is an entry in ClinVar:

ClinVar aggregate classification (germline): Conflicting classifications of pathogenicity. Review status: criteria provided, conflicting classifications (1 of 4 stars). 4 submissions from 4 submitters: Uncertain significance (3); Likely benign (1). Last evaluated 2025-11-03.

Conditions:
Hereditary cancer-predisposing syndrome. Also called: Neoplastic Syndromes, Hereditary; Hereditary neoplastic syndrome; Hereditary Cancer Syndrome; Tumor predisposition. Identifiers: Orphanet 140162, MedGen C0027672, MeSH D009386, MONDO:0015356.
Tuberous sclerosis 1 (TSC1). Identifiers: Orphanet 805, MedGen C1854465, MONDO:0008612, OMIM 191100.

Allele frequency attached by ClinVar (database versions not stated): gnomAD exomes below 0.00001.

Submissions (4):

Labcorp Genetics (formerly Invitae), Labcorp
Classification: Likely benign for Tuberous sclerosis 1. Last evaluated: 2025-11-03. Review status: criteria provided, single submitter. Criteria: Invitae Variant Classification Sherloc (09022015). Collection method: clinical testing. Allele origin: germline.

Ambry Genetics
Classification: Uncertain significance for Hereditary cancer-predisposing syndrome. Last evaluated: 2025-06-02. Review status: criteria provided, single submitter. Criteria: Ambry Variant Classification Scheme 2023. Collection method: clinical testing. Allele origin: germline.
Comment: The p.T798M variant (also known as c.2393C>T), located in coding exon 17 of the TSC1 gene, results from a C to T substitution at nucleotide position 2393. The threonine at codon 798 is replaced by methionine, an amino acid with similar properties. This amino acid position is well conserved in available vertebrate species. In addition, the in silico prediction for this alteration is inconclusive. Since supporting evidence is limited at this time, the clinical significance of this alteration remains unclear.

Genome-Nilou Lab
Classification: Uncertain significance for Tuberous sclerosis 1. Last evaluated: 2021-11-07. Review status: criteria provided, single submitter. Criteria: ACMG Guidelines, 2015. Collection method: clinical testing. Allele origin: germline. Affected: no.

GeneDx
Classification: Uncertain significance. Last evaluated: 2021-04-21. Review status: criteria provided, single submitter. Criteria: GeneDx Variant Classification Process June 2021. Collection method: clinical testing. Allele origin: germline. Affected: yes.
Comment: In silico analysis supports that this missense variant does not alter protein structure/function; Has not been previously published as pathogenic or benign to our knowledge

NM_000368.5(TSC1):c.2393C>T (p.Thr798Met)

Gene: TSC1 (TSC complex subunit 1; minus strand). Cytogenetic location: 9q34.13.
Variant type: single nucleotide variant.
Coding change: c.2393C>T on transcript NM_000368.5 (MANE Select); coding-DNA position 2393, C replaced by T.
Protein change: p.Thr798Met; replaces threonine 798 with methionine.
Molecular consequence: missense variant.
Genome position (GRCh38, 1-based): chr9:132,901,698, G>A on the plus strand (C>T on the coding strand, the complement: TSC1 is on the minus strand). VCF-style: chr9-132901698-G-A. GRCh37 (hg19) VCF-style: chr9-135777085-G-A.
Other names: c.2390C>T, p.Thr797Met (NM_001162426.2); c.2240C>T, p.Thr747Met (NM_001162427.2); c.2030C>T, p.Thr677Met (NM_001362177.2); short protein forms T798M, T677M, T747M, T797M.
Identifiers: ClinVar variation 659551 (VCV000659551.18), dbSNP rs1331635112, ClinGen allele CA375358826.